The following is an entry in ClinVar:

ClinVar aggregate classification (germline): Uncertain significance (1 of 4 stars; one submission).

Submission:

GeneDx
Classification: Uncertain significance. Last evaluated: 2024-09-26. Review status: criteria provided, single submitter. Criteria: GeneDx Variant Classification Process June 2021. Collection method: clinical testing. Allele origin: germline. Affected: yes.
Comment: Not observed at significant frequency in large population cohorts (gnomAD); In silico analysis supports that this missense variant has a deleterious effect on protein structure/function; Has not been previously published as pathogenic or benign to our knowledge

NM_000214.3(JAG1):c.913C>T (p.Pro305Ser)

Gene: JAG1 (jagged canonical Notch ligand 1; minus strand). Cytogenetic location: 20p12.2.
Variant type: single nucleotide variant.
Coding change: c.913C>T on transcript NM_000214.3 (MANE Select); coding-DNA position 913, C replaced by T.
Protein change: p.Pro305Ser; replaces proline 305 with serine.
Molecular consequence: missense variant.
Genome position (GRCh38, 1-based): chr20:10,652,224, G>A on the plus strand (C>T on the coding strand, the complement: JAG1 is on the minus strand). VCF-style: chr20-10652224-G-A. GRCh37 (hg19) VCF-style: chr20-10632872-G-A.
Other names: short protein forms P305S.
Identifiers: ClinVar variation 3774704 (VCV003774704.1).
Genomic context (GRCh38, chr20:10,652,224, plus strand): 5'-GGCAGGAACACTGATATTTGTCAGGGCCTGTGTTGCTACAAGTTCCCCCGTTGAGACACG[G>A]CTGATGAGTCCCACAGTAATTGAGATCTGCCAAAAAGATCCTGGAGTCACTAAGAGACGC-3'
Protein context (NP_000205.1, residues 295-315): KDLNYCGTHQ[Pro305Ser]CLNGGTCSNT